The following is an entry in ClinVar:

ClinVar aggregate classification (germline): Uncertain significance (1 of 4 stars; one submission).

Conditions:
Familial adenomatous polyposis 1 (FAP1). Also called: FAMILIAL ADENOMATOUS POLYPOSIS 1, ATTENUATED; POLYPOSIS, ADENOMATOUS INTESTINAL. Identifiers: MedGen C2713442, MONDO:0021056, OMIM 175100. Disease mechanism: loss of function.

Submission:

Labcorp Genetics (formerly Invitae), Labcorp
Classification: Uncertain significance for Familial adenomatous polyposis 1. Last evaluated: 2020-11-15. Review status: criteria provided, single submitter. Criteria: Invitae Variant Classification Sherloc (09022015). Collection method: clinical testing. Allele origin: germline.
Comment: The frequency data for this variant in the population databases is considered unreliable, as metrics indicate insufficient coverage at this position in the ExAC database. This variant occurs in a non-coding region of the APC gene. It does not change the encoded amino acid sequence of the APC protein. This variant has not been reported in the literature in individuals with APC-related conditions. In summary, the available evidence is currently insufficient to determine the role of this variant in disease. Therefore, it has been classified as a Variant of Uncertain Significance.

NM_001127511.3(APC):c.-161T>A

Gene: APC (APC regulator of Wnt signaling pathway; plus strand). Cytogenetic location: 5q22.2.
Variant type: single nucleotide variant.
Coding change: c.-161T>A on transcript NM_001127511.3; 161 bases upstream of the start codon, T replaced by A.
Molecular consequence: 5 prime UTR variant. On other transcripts: non-coding transcript variant (2).
Genome position (GRCh38, 1-based): chr5:112,707,557, T>A. VCF-style: chr5-112707557-T-A. GRCh37 (hg19) VCF-style: chr5-112043254-T-A.
Other names: c.-344T>A (NM_001354895.2, NM_001407447.1, NM_001407452.1 and 3 more transcripts); c.-161T>A (NM_001354897.2, NM_001354902.2, NM_001407446.1); c.-111T>A (NM_001407448.1, NM_001407450.1, NM_001407457.1 and 1 more transcripts); c.-135T>A (NM_001407453.1); c.-1379T>A (NM_001407470.1, NM_001407472.1).
Identifiers: ClinVar variation 1480010 (VCV001480010.6), dbSNP rs2149629365, ClinGen allele CA2573138775.